The following is an entry in ClinVar:

NM_198578.4(LRRK2):c.3171G>C (p.Met1057Ile)

Gene: LRRK2 (leucine rich repeat kinase 2; plus strand). Cytogenetic location: 12q12.
Variant type: single nucleotide variant.
Coding change: c.3171G>C on transcript NM_198578.4 (MANE Select); coding-DNA position 3171, G replaced by C.
Protein change: p.Met1057Ile; replaces methionine 1057 with isoleucine.
Molecular consequence: missense variant.
Genome position (GRCh38, 1-based): chr12:40,298,317, G>C. VCF-style: chr12-40298317-G-C. GRCh37 (hg19) VCF-style: chr12-40692119-G-C.
Other names: short protein forms M1057I.
Identifiers: ClinVar variation 3629250 (VCV003629250.9).
Genomic context (GRCh38, chr12:40,298,317, plus strand): 5'-GACACATTTGGACTTGCACAGTAATAAATTTACATCATTTCCTTCTTATTTGTTGAAAAT[G>C]AGTTGTATTGCTAATCTTGATGTCTCTCGAAATGACATTGGACCCTCAGTGGTTTTAGAT-3'
Protein context (NP_940980.4, residues 1047-1067): FTSFPSYLLK[Met1057Ile]SCIANLDVSR

ClinVar aggregate classification (germline): Conflicting classifications of pathogenicity. Review status: criteria provided, conflicting classifications (1 of 4 stars). 2 submissions from 2 submitters: Uncertain significance (1); Likely benign (1). Last evaluated 2025-09-01.

Conditions:
Autosomal dominant Parkinson disease 8. Also called: Parkinson disease 8, susceptibility to; LRRK2-Related Parkinson Disease; Parkinson disease 8. Identifiers: Orphanet 411602, MedGen C1846862, MONDO:0011764, OMIM 607060.

Submissions (2):

CeGaT Center for Human Genetics Tuebingen
Classification: Likely benign. Last evaluated: 2025-09-01. Review status: criteria provided, single submitter. Criteria: CeGaT Center For Human Genetics Tuebingen Variant Classification Criteria Version 2. Collection method: clinical testing. Allele origin: germline. Affected: yes. Observed: 1 variant allele.
Comment: LRRK2: BP4

Labcorp Genetics (formerly Invitae), Labcorp
Classification: Uncertain significance for Autosomal dominant Parkinson disease 8. Last evaluated: 2025-01-27. Review status: criteria provided, single submitter. Criteria: Invitae Variant Classification Sherloc (09022015). Collection method: clinical testing. Allele origin: germline.
Comment: This sequence change replaces methionine, which is neutral and non-polar, with isoleucine, which is neutral and non-polar, at codon 1057 of the LRRK2 protein (p.Met1057Ile). This variant is present in population databases (rs200663116, gnomAD 0.006%). This variant has not been reported in the literature in individuals affected with LRRK2-related conditions. Invitae Evidence Modeling of protein sequence and biophysical properties (such as structural, functional, and spatial information, amino acid conservation, physicochemical variation, residue mobility, and thermodynamic stability) has been performed for this missense variant. However, the output from this modeling did not meet the statistical confidence thresholds required to predict the impact of this variant on LRRK2 protein function. In summary, the available evidence is currently insufficient to determine the role of this variant in disease. Therefore, it has been classified as a Variant of Uncertain Significance.